The following is an entry in ClinVar:

NM_000350.3(ABCA4):c.2691del (p.Glu898fs)

Gene: ABCA4 (ATP binding cassette subfamily A member 4; minus strand). Cytogenetic location: 1p22.1.
Variant type: Deletion.
Coding change: c.2691del on transcript NM_000350.3 (MANE Select); coding-DNA position 2691, one base deleted (C; older notation c.2691delC).
Protein change: p.Glu898fs; shifts the reading frame from glutamic acid 898.
Molecular consequence: frameshift variant.
Genome position (GRCh38, 1-based): chr1:94,048,920, G deleted on the plus strand (C on the coding strand, the reverse complement: ABCA4 is on the minus strand); the first of 2 consecutive G bases (chr1:94,048,920-94,048,921); deleting either gives the same sequence. VCF-style (leftmost placement, unchanged base first): chr1-94048919-CG-C. GRCh37 (hg19) VCF-style: chr1-94514475-CG-C.
Other names: c.2691delC (NM_000350.3); c.2468delC, p.Glu824Serfs (NM_001425324.1); short protein forms E898fs.
Identifiers: ClinVar variation 973693 (VCV000973693.11), dbSNP rs1660762877, ClinGen allele CA1139656223.
Genomic context (GRCh38, chr1:94,048,919, plus strand): 5'-GGGTTTTACCGTGTATTCCTTCTGGGTGCTCTGGATCCTCCGTTTCCTCTGTTAGGGGCT[CG>C]GTCTTTTCCAGGGCTCTTTCTTCTCTGGTTGAACACCCTGCACCAATCAGAAGCCAGTGT-3'

ClinVar aggregate classification (germline): Pathogenic. Review status: criteria provided, multiple submitters, no conflicts (2 of 4 stars). 3 submissions from 3 submitters: Pathogenic (3). Last evaluated 2024-10-30.

Conditions:
Generalized choriocapillaris dystrophy.
ABCA4-related disorder. Also called: ABCA4-related condition; ABCA4-related disorders. Identifiers: MedGen CN239167.

Submissions (3):

Labcorp Genetics (formerly Invitae), Labcorp
Classification: Pathogenic. Last evaluated: 2024-10-30. Review status: criteria provided, single submitter. Criteria: Invitae Variant Classification Sherloc (09022015). Collection method: clinical testing. Allele origin: germline.
Comment: This sequence change creates a premature translational stop signal (p.Glu898Serfs*3) in the ABCA4 gene. It is expected to result in an absent or disrupted protein product. Loss-of-function variants in ABCA4 are known to be pathogenic (PMID: 10958761, 24938718, 25312043, 26780318). This variant is not present in population databases (gnomAD no frequency). This variant has not been reported in the literature in individuals affected with ABCA4-related conditions. ClinVar contains an entry for this variant (Variation ID: 973693). For these reasons, this variant has been classified as Pathogenic.

Blueprint Genetics
Classification: Pathogenic for ABCA4-related disorders. Last evaluated: 2022-04-11. Review status: criteria provided, single submitter. Criteria: ACMG Guidelines, 2015. Collection method: clinical testing. Allele origin: germline. Affected: yes. Observed: 2 variant alleles.

Department of Ophthalmology, California Pacific Medical Center
Classification: Pathogenic for Generalized choriocapillaris dystrophy. Last evaluated: 2020-07-05. Review status: criteria provided, single submitter. Criteria: ACMG Guidelines, 2015. Collection method: clinical testing. Allele origin: germline. Inheritance: Autosomal recessive inheritance. Affected: yes. Observed: 1 compound heterozygote.

Literature cited by the submitters: PubMed 10958761 (cited by Labcorp Genetics (formerly Invitae), Labcorp); PubMed 24938718 (cited by Labcorp Genetics (formerly Invitae), Labcorp); PubMed 25312043 (cited by Labcorp Genetics (formerly Invitae), Labcorp); PubMed 26780318 (cited by Labcorp Genetics (formerly Invitae), Labcorp).